The following is an entry in ClinVar:

NM_001110556.2(FLNA):c.7817_7820del (p.Val2606fs)

Genes: FLNA (filamin A; minus strand), LOC107988032 (Xq28 proximal FLNA-EMD recombination region; plus strand). Cytogenetic location: Xq28.
Variant type: Deletion.
Coding change: c.7817_7820del on transcript NM_001110556.2 (MANE Select); coding-DNA positions 7817 to 7820, 4 bases deleted (TGAA; older notation c.7817_7820delTGAA).
Protein change: p.Val2606fs; shifts the reading frame from valine 2606.
Molecular consequence: frameshift variant.
Genome position (GRCh38, 1-based): chrX:154,348,973-154,348,976, TTCA deleted on the plus strand (TGAA on the coding strand, the reverse complement: FLNA is on the minus strand). VCF-style (leftmost placement, unchanged base first): chrX-154348972-CTTCA-C. GRCh37 (hg19) VCF-style: chrX-153577340-CTTCA-C.
Other names: c.7793_7796delTGAA (NM_001456.3); c.7793_7796del, p.Val2598fs (NM_001456.4); short protein forms V2598fs, V2606fs.
Identifiers: ClinVar variation 465025 (VCV000465025.10), dbSNP rs1557175175, ClinGen allele CA658659069.

ClinVar aggregate classification (germline): Uncertain significance (1 of 4 stars; one submission).

Conditions:
Heterotopia, periventricular, X-linked dominant (PVNH1). Also called: PERIVENTRICULAR NODULAR HETEROTOPIA 1; X-linked periventricular heterotopia; PERIVENTRICULAR NODULAR HETEROTOPIA 4; HETEROTOPIA, PERIVENTRICULAR, 1. Identifiers: Orphanet 2149, Orphanet 82004, MedGen C1848213, MONDO:0010233, OMIM 300049.
Oto-palato-digital syndrome, type II (OPD2). Also called: FACIOPALATOOSSEOUS SYNDROME; OPD II SYNDROME; Otopalatodigital Syndrome Type 2 (FLNA-OPD2); Otopalatodigital Syndrome, Type II. Identifiers: Orphanet 669, Orphanet 90652, MedGen C1844696, MONDO:0010571, OMIM 304120.
Frontometaphyseal dysplasia (FMD1). Identifiers: Orphanet 1826, MedGen C0265293, MONDO:0015942.
Melnick-Needles syndrome (MNS). Also called: MELNICK-NEEDLES OSTEODYSPLASTY; OSTEODYSPLASTY OF MELNICK AND NEEDLES; Melnick-Needles Syndrome (FLNA-MNS). Identifiers: Orphanet 2484, MedGen C0025237, MONDO:0010650, OMIM 309350.

Submission:

Labcorp Genetics (formerly Invitae), Labcorp
Classification: Uncertain significance for Oto-palato-digital syndrome, type II; Heterotopia, periventricular, X-linked dominant; Frontometaphyseal dysplasia; Melnick-Needles syndrome. Last evaluated: 2017-06-17. Review status: criteria provided, single submitter. Criteria: Invitae Variant Classification Sherloc (09022015). Collection method: clinical testing. Allele origin: germline.
Comment: This sequence change results in a frameshift and extension of the FLNA gene (p.Val2598Glyfs*98). While this is not anticipated to result in nonsense mediated decay, it is expected to disrupt the last 42 amino acids of the FLNA protein and extend the length of the FLNA protein by 56 additional amino acid residues. This variant is not present in population databases (ExAC no frequency). This variant has not been reported in the literature in individuals with a FLNA-related disease. In summary, this variant has uncertain impact on FLNA function. The available evidence is currently insufficient to determine its role in disease. Therefore, it has been classified as a Variant of Uncertain Significance. Experimental studies and prediction algorithms are not available for this variant, and the functional significance of the disrupted and added amino acids is currently unknown.